The following is an entry in ClinVar:

NM_000780.4(CYP7A1):c.1214T>G (p.Leu405Trp)

Genes: CYP7A1 (cytochrome P450 family 7 subfamily A member 1; minus strand), LOC126860400 (BRD4-independent group 4 enhancer GRCh37_chr8:59404317-59405516; plus strand). Cytogenetic location: 8q12.1.
Variant type: single nucleotide variant.
Coding change: c.1214T>G on transcript NM_000780.4 (MANE Select); coding-DNA position 1214, T replaced by G.
Protein change: p.Leu405Trp; replaces leucine 405 with tryptophan.
Molecular consequence: missense variant.
Genome position (GRCh38, 1-based): chr8:58,492,354, A>C on the plus strand (T>G on the coding strand, the complement: CYP7A1 is on the minus strand). VCF-style: chr8-58492354-A-C. GRCh37 (hg19) VCF-style: chr8-59404913-A-C.
Other names: short protein forms L405W.
Identifiers: ClinVar variation 2247053 (VCV002247053.5), dbSNP rs372341079, ClinGen allele CA4756632.

ClinVar aggregate classification (germline): Uncertain significance. Review status: criteria provided, multiple submitters, no conflicts (2 of 4 stars). 2 submissions from 2 submitters: Uncertain significance (2). Last evaluated 2023-01-14.

Allele frequency attached by ClinVar (database versions not stated): ExAC 0.00001; gnomAD 0.00001; gnomAD exomes 0.00001; TOPMed 0.00002; ESP Exome Variant Server 0.00008.

Submissions (2):

Labcorp Genetics (formerly Invitae), Labcorp
Classification: Uncertain significance. Last evaluated: 2023-01-14. Review status: criteria provided, single submitter. Criteria: Invitae Variant Classification Sherloc (09022015). Collection method: clinical testing. Allele origin: germline.
Comment: This sequence change replaces leucine, which is neutral and non-polar, with tryptophan, which is neutral and slightly polar, at codon 405 of the CYP7A1 protein (p.Leu405Trp). This variant is present in population databases (rs372341079, gnomAD 0.003%). This variant has not been reported in the literature in individuals affected with CYP7A1-related conditions. Algorithms developed to predict the effect of missense changes on protein structure and function are either unavailable or do not agree on the potential impact of this missense change (SIFT: "Tolerated"; PolyPhen-2: "Probably Damaging"; Align-GVGD: "Class C0"). In summary, the available evidence is currently insufficient to determine the role of this variant in disease. Therefore, it has been classified as a Variant of Uncertain Significance.

Ambry Genetics
Classification: Uncertain significance. Last evaluated: 2021-08-30. Review status: criteria provided, single submitter. Criteria: Ambry Variant Classification Scheme 2023. Collection method: clinical testing. Allele origin: germline.